The following is an entry in ClinVar:

NM_004408.4(DNM1):c.1404G>C (p.Glu468Asp)

Gene: DNM1 (dynamin 1; plus strand). Cytogenetic location: 9q34.11.
Variant type: single nucleotide variant.
Coding change: c.1404G>C on transcript NM_004408.4 (MANE Select); coding-DNA position 1404, G replaced by C.
Protein change: p.Glu468Asp; replaces glutamic acid 468 with aspartic acid.
Molecular consequence: missense variant.
Genome position (GRCh38, 1-based): chr9:128,234,089, G>C. VCF-style: chr9-128234089-G-C. GRCh37 (hg19) VCF-style: chr9-130996368-G-C.
Other names: c.1404G>C, p.Glu468Asp (NM_001005336.3, NM_001288737.2, NM_001288738.2 and 2 more transcripts); short protein forms E468D.
Identifiers: ClinVar variation 3018717 (VCV003018717.3), dbSNP rs1285073341, ClinGen allele CA375022802.

ClinVar aggregate classification (germline): Uncertain significance (1 of 4 stars; one submission).

Conditions:
Developmental and epileptic encephalopathy, 31A. Also called: Epileptic encephalopathy, early infantile, 31; Developmental and epileptic encephalopathy, 31. Identifiers: Orphanet 2382, MedGen C4225357, MONDO:0014598, OMIM 616346.

Allele frequency attached by ClinVar (database versions not stated): gnomAD exomes below 0.00001; TOPMed below 0.00001.
gnomAD v4.1: 2 of 1,568,112 alleles (0.00013%); highest among the groups gnomAD compares: Admixed American, 0.0019%; no homozygotes.

Submission:

Labcorp Genetics (formerly Invitae), Labcorp
Classification: Uncertain significance for Developmental and epileptic encephalopathy, 31A. Last evaluated: 2023-05-05. Review status: criteria provided, single submitter. Criteria: Invitae Variant Classification Sherloc (09022015). Collection method: clinical testing. Allele origin: germline.
Comment: This sequence change replaces glutamic acid, which is acidic and polar, with aspartic acid, which is acidic and polar, at codon 468 of the DNM1 protein (p.Glu468Asp). This variant is not present in population databases (gnomAD no frequency). In summary, the available evidence is currently insufficient to determine the role of this variant in disease. Therefore, it has been classified as a Variant of Uncertain Significance. Advanced modeling of protein sequence and biophysical properties (such as structural, functional, and spatial information, amino acid conservation, physicochemical variation, residue mobility, and thermodynamic stability) performed at Invitae indicates that this missense variant is expected to disrupt DNM1 protein function. This variant has not been reported in the literature in individuals affected with DNM1-related conditions.